The following is an entry in ClinVar:

ClinVar aggregate classification (germline): Uncertain significance (1 of 4 stars; one submission).

Conditions:
CRELD1-related disorder. Also called: CRELD1-related condition.

gnomAD v4.1: 10 of 1,613,602 alleles (0.00062%); highest among the groups gnomAD compares: Admixed American, 0.0033%; no homozygotes.

Submission:

PreventionGenetics, part of Exact Sciences
Classification: Uncertain significance for CRELD1-related condition. Last evaluated: 2025-01-17. Review status: criteria provided, single submitter. Criteria: ACMG Guidelines, 2015. Collection method: clinical testing. Allele origin: germline.
Comment: The CRELD1 c.863G>A variant is predicted to result in the amino acid substitution p.Arg288His. To our knowledge, this variant has not been reported in the literature. This variant is reported in 0.0058% of alleles in individuals of Latino descent in gnomAD. At this time, the clinical significance of this variant is uncertain due to the absence of conclusive functional and genetic evidence.

NM_001077415.3(CRELD1):c.863G>A (p.Arg288His)

Gene: CRELD1 (CRELD disulfide isomerase 1; plus strand). Cytogenetic location: 3p25.3.
Variant type: single nucleotide variant.
Coding change: c.863G>A on transcript NM_001077415.3 (MANE Select); coding-DNA position 863, G replaced by A.
Protein change: p.Arg288His; replaces arginine 288 with histidine.
Molecular consequence: missense variant. On other transcripts: non-coding transcript variant (3).
Genome position (GRCh38, 1-based): chr3:9,943,122, G>A. VCF-style: chr3-9943122-G-A. GRCh37 (hg19) VCF-style: chr3-9984806-G-A.
Other names: c.863G>A, p.Arg288His (NM_001031717.4, NM_001374316.1, NM_001374317.1 and 3 more transcripts); c.779G>A, p.Arg260His (NM_001374319.1, NM_001374320.1); short protein forms R260H, R288H.
Identifiers: ClinVar variation 4990052 (VCV004990052.1).
Genomic context (GRCh38, chr3:9,943,122, plus strand): 5'-CTCTCCTCTCTCCAGACTGTGCCAAGGCCTGCCTAGGCTGCATGGGGGCAGGGCCAGGTC[G>A]CTGTAAGAAGTGTAGCCCTGGCTATCAGCAGGTGGGCTCCAAGTGTCTCGGTGAGTCTCC-3'
Protein context (NP_001070883.2, residues 278-298): CLGCMGAGPG[Arg288His]CKKCSPGYQQ